The following is an entry in ClinVar:

NM_018063.5(HELLS):c.488C>T (p.Ser163Phe)

Gene: HELLS (helicase, lymphoid specific; plus strand). Cytogenetic location: 10q23.33.
Variant type: single nucleotide variant.
Coding change: c.488C>T on transcript NM_018063.5 (MANE Select); coding-DNA position 488, C replaced by T.
Protein change: p.Ser163Phe; replaces serine 163 with phenylalanine.
Molecular consequence: missense variant. On other transcripts: 5 prime UTR variant (2).
Genome position (GRCh38, 1-based): chr10:94,573,970, C>T. VCF-style: chr10-94573970-C-T. GRCh37 (hg19) VCF-style: chr10-96333727-C-T.
Other names: c.488C>T, p.Ser163Phe (NM_001289067.2, NM_001289069.2, NM_001289070.2 and 1 more transcripts); c.440C>T, p.Ser147Phe (NM_001289068.2); c.116C>T, p.Ser39Phe (NM_001289071.2); c.74C>T, p.Ser25Phe (NM_001289073.2); c.-515C>T (NM_001289074.2); c.-534C>T (NM_001289075.2); c.488C>T (NM_018063.3); short protein forms S163F, S25F, S39F, S147F.
Identifiers: ClinVar variation 1928368 (VCV001928368.5), dbSNP rs755929983, ClinGen allele CA5615321.

ClinVar aggregate classification (germline): Uncertain significance. Review status: criteria provided, multiple submitters, no conflicts (2 of 4 stars). 2 submissions from 2 submitters: Uncertain significance (2). Last evaluated 2024-03-20.

Conditions:
Inborn genetic diseases. Identifiers: MedGen C0950123, MeSH D030342.

Allele frequency attached by ClinVar (database versions not stated): TOPMed 0.00001; gnomAD 0.00002.
gnomAD v4.1: 9 of 1,599,018 alleles (0.00056%); highest among the groups gnomAD compares: East Asian, 0.02%; no homozygotes.

Submissions (2):

Ambry Genetics
Classification: Uncertain significance for Inborn genetic diseases. Last evaluated: 2024-03-20. Review status: criteria provided, single submitter. Criteria: Ambry Variant Classification Scheme 2023. Collection method: clinical testing. Allele origin: germline.

Labcorp Genetics (formerly Invitae), Labcorp
Classification: Uncertain significance. Last evaluated: 2022-08-10. Review status: criteria provided, single submitter. Criteria: Invitae Variant Classification Sherloc (09022015). Collection method: clinical testing. Allele origin: germline.
Comment: In summary, the available evidence is currently insufficient to determine the role of this variant in disease. Therefore, it has been classified as a Variant of Uncertain Significance. Algorithms developed to predict the effect of missense changes on protein structure and function are either unavailable or do not agree on the potential impact of this missense change (SIFT: "Deleterious"; PolyPhen-2: "Benign"; Align-GVGD: "Class C0"). This variant has not been reported in the literature in individuals affected with HELLS-related conditions. This variant is present in population databases (rs755929983, gnomAD 0.05%). This sequence change replaces serine, which is neutral and polar, with phenylalanine, which is neutral and non-polar, at codon 163 of the HELLS protein (p.Ser163Phe).